The following is an entry in ClinVar:

GRCh38/hg38 7q35(chr7:143728625-144176869)x1

Genes: CTAGE6 (CTAGE family member 6; minus strand), OR2A12 (olfactory receptor family 2 subfamily A member 12; plus strand), OR2A14 (olfactory receptor family 2 subfamily A member 14; plus strand), OR2A2 (olfactory receptor family 2 subfamily A member 2; plus strand), OR2A25 (olfactory receptor family 2 subfamily A member 25; plus strand) and 13 more. Cytogenetic location: 7q35.
Variant type: copy number loss.
Change: copy number 1 (one copy instead of two) of chr7:143,728,625-144,176,869 (448.2 kb, GRCh38 coordinates, 1-based), cytogenetic band 7q35.
Identifiers: ClinVar variation 153908 (VCV000153908.2).

ClinVar aggregate classification (germline): conflicting data from submitters (0 of 4 stars; one submission).

Submission:

ISCA site 1
Classification: conflicting data from submitters. Last evaluated: 2014-03-18. Review status: no assertion criteria provided. Collection method: clinical testing. Allele origin: unknown. Affected: yes. Observed: 3 variant alleles. Clinical features observed: Global developmental delay (HP:0001263), Cleft palate (HP:0000175), Intrauterine growth retardation (HP:0001511), Abnormal facial shape (HP:0002260).
Comment: Uncertain significance(1), Likely benign (2)

Copy number variation identified through the course of routine clinical cytogenomic testing in postnatal populations, with clinical assertions as classified by the original submitter. For data from the original published study, Kaminsky, et al. 2011 (PubMed 21844811), please see nstd101.